The following is an entry in ClinVar:

NM_001148.6(ANK2):c.6377T>A (p.Ile2126Asn)

Gene: ANK2 (ankyrin 2; plus strand). Cytogenetic location: 4q26.
Variant type: single nucleotide variant.
Coding change: c.6377T>A on transcript NM_001148.6 (MANE Select); coding-DNA position 6377, T replaced by A.
Protein change: p.Ile2126Asn; replaces isoleucine 2126 with asparagine.
Molecular consequence: missense variant. On other transcripts: intron variant (68).
Genome position (GRCh38, 1-based): chr4:113,354,995, T>A. VCF-style: chr4-113354995-T-A. GRCh37 (hg19) VCF-style: chr4-114276151-T-A.
Other names: c.4207+4746T>A (NM_001386146.1, NM_001386150.1, NM_001386149.1 and 1 more transcripts); c.4192+4746T>A (NM_001354274.2, NM_001386154.1); c.4141+4746T>A (NM_001386151.1, NM_001354260.2, NM_001354271.2); c.4042+4746T>A (NM_001386157.1, NM_001354277.2); c.4360+4746T>A (NM_001386161.1, NM_001354244.2, NM_001354256.2); c.4285+4746T>A (NM_001354261.2); c.4165+4746T>A (NM_001386156.1, NM_001354257.2); c.4261+4746T>A (NM_001354264.2); and 35 more; short protein forms I2048N, I2126N, I2165N, I2173N, I926N.
Identifiers: ClinVar variation 1723047 (VCV001723047.5), dbSNP rs2505553519, ClinGen allele CA357923385.

ClinVar aggregate classification (germline): Uncertain significance. Review status: criteria provided, multiple submitters, no conflicts (2 of 4 stars). 2 submissions from 2 submitters: Uncertain significance (2). Last evaluated 2023-04-22.

Conditions:
Long QT syndrome (LQTS). Identifiers: MedGen C0023976, MeSH D008133, MONDO:0002442. Disease mechanism: loss of function. Inheritance: Various modes of inheritance.

Submissions (2):

Labcorp Genetics (formerly Invitae), Labcorp
Classification: Uncertain significance for Long QT syndrome. Last evaluated: 2023-04-22. Review status: criteria provided, single submitter. Criteria: Invitae Variant Classification Sherloc (09022015). Collection method: clinical testing. Allele origin: germline.
Comment: In summary, the available evidence is currently insufficient to determine the role of this variant in disease. Therefore, it has been classified as a Variant of Uncertain Significance. Advanced modeling of protein sequence and biophysical properties (such as structural, functional, and spatial information, amino acid conservation, physicochemical variation, residue mobility, and thermodynamic stability) performed at Invitae indicates that this missense variant is not expected to disrupt ANK2 protein function. ClinVar contains an entry for this variant (Variation ID: 1723047). This variant has not been reported in the literature in individuals affected with ANK2-related conditions. This variant is not present in population databases (gnomAD no frequency). This sequence change replaces isoleucine, which is neutral and non-polar, with asparagine, which is neutral and polar, at codon 2126 of the ANK2 protein (p.Ile2126Asn).

GeneDx
Classification: Uncertain significance. Last evaluated: 2022-05-06. Review status: criteria provided, single submitter. Criteria: GeneDx Variant Classification Process June 2021. Collection method: clinical testing. Allele origin: germline. Affected: yes.
Comment: Not observed at significant frequency in large population cohorts (gnomAD); In silico analysis supports that this missense variant does not alter protein structure/function; Has not been previously published as pathogenic or benign to our knowledge; Located in exon 38, which is reported as being expressed in a brain-specific transcript (Otto et al, 1991; Cunha et al, 2008; Wu et al, 2015); This variant is associated with the following publications: (PMID: 1830053, 18790697, 26109584)